The following is an entry in ClinVar:

ClinVar aggregate classification (germline): Uncertain significance (1 of 4 stars; one submission).

Conditions:
Immunodeficiency 104. Also called: SCID, AUTOSOMAL RECESSIVE, T CELL-NEGATIVE, B CELL-POSITIVE, NK CELL-POSITIVE; Severe Combined Immune Deficiency, Autosomal Recessive, TCell -Negative, B Cell-Positive, NK Cell-Positive, IL7R-Related; Severe combined immunodeficiency, autosomal recessive, T cell-negative, B cell-positive, NK cell-positive; IMMUNODEFICIENCY 104, SEVERE COMBINED. Identifiers: MedGen C5676890, MONDO:0012163, OMIM 608971.

Allele frequency attached by ClinVar (database versions not stated): gnomAD exomes 0.00001; TOPMed 0.00001.
gnomAD v4.1: 3 of 1,605,214 alleles (0.00019%); highest among the groups gnomAD compares: Non-Finnish European, 0.00026%; no homozygotes.

Submission:

Labcorp Genetics (formerly Invitae), Labcorp
Classification: Uncertain significance for Immunodeficiency 104. Last evaluated: 2021-08-24. Review status: criteria provided, single submitter. Criteria: Invitae Variant Classification Sherloc (09022015). Collection method: clinical testing. Allele origin: germline.
Comment: This sequence change replaces glutamic acid with glycine at codon 945 of the PTPRC protein (p.Glu945Gly). The glutamic acid residue is highly conserved and there is a moderate physicochemical difference between glutamic acid and glycine. This variant is not present in population databases (ExAC no frequency). This variant has not been reported in the literature in individuals affected with PTPRC-related conditions. Algorithms developed to predict the effect of missense changes on protein structure and function (SIFT, PolyPhen-2, Align-GVGD) all suggest that this variant is likely to be disruptive. In summary, the available evidence is currently insufficient to determine the role of this variant in disease. Therefore, it has been classified as a Variant of Uncertain Significance.

NM_002838.5(PTPRC):c.2834A>G (p.Glu945Gly)

Gene: PTPRC (protein tyrosine phosphatase receptor type C; plus strand). Cytogenetic location: 1q32.1.
Variant type: single nucleotide variant.
Coding change: c.2834A>G on transcript NM_002838.5 (MANE Select); coding-DNA position 2834, A replaced by G.
Protein change: p.Glu945Gly; replaces glutamic acid 945 with glycine.
Molecular consequence: missense variant.
Genome position (GRCh38, 1-based): chr1:198,744,190, A>G. VCF-style: chr1-198744190-A-G. GRCh37 (hg19) VCF-style: chr1-198713319-A-G.
Other names: c.2351A>G, p.Glu784Gly (NM_080921.4); short protein forms E945G, E784G.
Identifiers: ClinVar variation 576581 (VCV000576581.6), dbSNP rs1481095196, ClinGen allele CA344051875.